The following is an entry in ClinVar:

NM_014946.4(SPAST):c.149T>C (p.Leu50Pro)

Gene: SPAST (spastin; plus strand). Cytogenetic location: 2p22.3.
Variant type: single nucleotide variant.
Coding change: c.149T>C on transcript NM_014946.4 (MANE Select); coding-DNA position 149, T replaced by C.
Protein change: p.Leu50Pro; replaces leucine 50 with proline.
Molecular consequence: missense variant.
Genome position (GRCh38, 1-based): chr2:32,063,980, T>C. VCF-style: chr2-32063980-T-C. GRCh37 (hg19) VCF-style: chr2-32289049-T-C.
Other names: c.149T>C, p.Leu50Pro (NM_001363823.2, NM_001363875.2, NM_001377959.1 and 1 more transcripts); short protein forms L50P.
Identifiers: ClinVar variation 2818589 (VCV002818589.3), dbSNP rs1168673606, ClinGen allele CA346601474.

ClinVar aggregate classification (germline): Uncertain significance (1 of 4 stars; one submission).

Conditions:
Hereditary spastic paraplegia 4. Also called: Spastic paraplegia 4, autosomal dominant; Spastic Paraplegia 4; Familial spastic paraplegia autosomal dominant 2. Identifiers: Orphanet 100985, MedGen C1866855, MONDO:0008438, OMIM 182601.

Submission:

Labcorp Genetics (formerly Invitae), Labcorp
Classification: Uncertain significance for Hereditary spastic paraplegia 4. Last evaluated: 2023-08-04. Review status: criteria provided, single submitter. Criteria: Invitae Variant Classification Sherloc (09022015). Collection method: clinical testing. Allele origin: germline.
Comment: In summary, the available evidence is currently insufficient to determine the role of this variant in disease. Therefore, it has been classified as a Variant of Uncertain Significance. Algorithms developed to predict the effect of missense changes on protein structure and function output the following: SIFT: "Not Available"; PolyPhen-2: "Possibly Damaging"; Align-GVGD: "Not Available". The proline amino acid residue is found in multiple mammalian species, which suggests that this missense change does not adversely affect protein function. This variant has not been reported in the literature in individuals affected with SPAST-related conditions. This variant is not present in population databases (gnomAD no frequency). This sequence change replaces leucine, which is neutral and non-polar, with proline, which is neutral and non-polar, at codon 50 of the SPAST protein (p.Leu50Pro).